The following is an entry in ClinVar:

NM_000245.4(MET):c.3403A>T (p.Ser1135Cys)

Gene: MET (MET proto-oncogene, receptor tyrosine kinase; plus strand). Cytogenetic location: 7q31.2.
Variant type: single nucleotide variant.
Coding change: c.3403A>T on transcript NM_000245.4 (MANE Select); coding-DNA position 3403, A replaced by T.
Protein change: p.Ser1135Cys; replaces serine 1135 with cysteine.
Molecular consequence: missense variant.
Genome position (GRCh38, 1-based): chr7:116,778,838, A>T. VCF-style: chr7-116778838-A-T. GRCh37 (hg19) VCF-style: chr7-116418892-A-T.
Other names: c.3457A>T, p.Ser1153Cys (NM_001127500.3); c.2113A>T, p.Ser705Cys (NM_001324402.2); short protein forms S1135C, S1153C, S705C.
Identifiers: ClinVar variation 1021858 (VCV001021858.10), dbSNP rs1394199299, ClinGen allele CA368990081.

ClinVar aggregate classification (germline): Conflicting classifications of pathogenicity. Review status: criteria provided, conflicting classifications (1 of 4 stars). 3 submissions from 3 submitters: Uncertain significance (2); Likely benign (1). Last evaluated 2025-11-18.

Conditions:
Renal cell carcinoma. Identifiers: Orphanet 217071, MedGen C0007134, MeSH D002292, MONDO:0005086, HP:0005584.
Autosomal recessive nonsyndromic hearing loss 97. Also called: Deafness, autosomal recessive 97. Identifiers: Orphanet 90636, MedGen C4084709, MONDO:0014739, OMIM 616705.
Hepatocellular carcinoma (HCC). Also called: Primary carcinoma of liver; HEPATOMA; LIVER CELL CARCINOMA. Identifiers: Orphanet 88673, MedGen C2239176, MONDO:0007256, OMIM 114550, HP:0001402.
Papillary renal cell carcinoma type 1 (RCCP1). Also called: Renal adenocarcinoma; Renal cell carcinoma 1; Renal cell carcinoma, somatic; RENAL CELL CARCINOMA, PAPILLARY, 1, SOMATIC. Identifiers: Orphanet 47044, MedGen C1336839, OMIM 605074, HP:0011797.
Arthrogryposis, distal, IIa 11. Also called: Arthrogryposis, distal, type 11. Identifiers: MedGen C5774205, MONDO:0031045, OMIM 620019.
Osteofibrous dysplasia (OSFD). Also called: Tibia, bowing of, with pseudarthrosis and pectus excavatum. Identifiers: Orphanet 488265, MedGen C4085248, MONDO:0011806, OMIM 607278.
Hereditary cancer-predisposing syndrome. Also called: Hereditary Cancer Syndrome; Neoplastic Syndromes, Hereditary; Tumor predisposition; Hereditary neoplastic syndrome. Identifiers: Orphanet 140162, MedGen C0027672, MeSH D009386, MONDO:0015356.

Allele frequency attached by ClinVar (database versions not stated): gnomAD exomes 0.00001.
gnomAD v4.1: 3 of 1,614,082 alleles (0.00019%); highest among the groups gnomAD compares: Admixed American, 0.005%; no homozygotes.

Submissions (3):

Labcorp Genetics (formerly Invitae), Labcorp
Classification: Uncertain significance for Renal cell carcinoma. Last evaluated: 2025-11-18. Review status: criteria provided, single submitter. Criteria: Invitae Variant Classification Sherloc (09022015). Collection method: clinical testing. Allele origin: germline.
Comment: This sequence change replaces serine, which is neutral and polar, with cysteine, which is neutral and slightly polar, at codon 1153 of the MET protein (p.Ser1153Cys). This variant is present in population databases (no rsID available, gnomAD 0.006%). This variant has not been reported in the literature in individuals affected with MET-related conditions. ClinVar contains an entry for this variant (Variation ID: 1021858). Invitae Evidence Modeling of protein sequence and biophysical properties (such as structural, functional, and spatial information, amino acid conservation, physicochemical variation, residue mobility, and thermodynamic stability) indicates that this missense variant is not expected to disrupt MET protein function with a negative predictive value of 80%. In summary, the available evidence is currently insufficient to determine the role of this variant in disease. Therefore, it has been classified as a Variant of Uncertain Significance.

Fulgent Genetics
Classification: Uncertain significance for Hepatocellular carcinoma; Papillary renal cell carcinoma type 1; Osteofibrous dysplasia; Autosomal recessive nonsyndromic hearing loss 97; Arthrogryposis, distal, IIa 11. Last evaluated: 2024-03-13. Review status: criteria provided, single submitter. Criteria: ACMG Guidelines, 2015. Collection method: clinical testing. Allele origin: germline.

Ambry Genetics
Classification: Likely benign for Hereditary cancer-predisposing syndrome. Last evaluated: 2022-09-24. Review status: criteria provided, single submitter. Criteria: Ambry Variant Classification Scheme 2023. Collection method: clinical testing. Allele origin: germline.